The following is an entry in ClinVar:

ClinVar aggregate classification (germline): Uncertain significance (1 of 4 stars; one submission).

Conditions:
Hereditary nonpolyposis colorectal neoplasms. Identifiers: MedGen C0009405, MeSH D003123.

Submission:

Labcorp Genetics (formerly Invitae), Labcorp
Classification: Uncertain significance for Hereditary nonpolyposis colorectal neoplasms. Last evaluated: 2020-07-27. Review status: criteria provided, single submitter. Criteria: Invitae Variant Classification Sherloc (09022015). Collection method: clinical testing. Allele origin: germline.
Comment: Advanced modeling of protein sequence and biophysical properties (such as structural, functional, and spatial information, amino acid conservation, physicochemical variation, residue mobility, and thermodynamic stability) performed at Invitae indicates that this missense variant is not expected to disrupt PMS2 protein function. In summary, the available evidence is currently insufficient to determine the role of this variant in disease. Therefore, it has been classified as a Variant of Uncertain Significance. This variant has not been reported in the literature in individuals with PMS2-related conditions. This sequence change replaces serine with leucine at codon 195 of the PMS2 protein (p.Ser195Leu). The serine residue is highly conserved and there is a large physicochemical difference between serine and leucine. This variant is not present in population databases (ExAC no frequency).

NM_000535.7(PMS2):c.584C>T (p.Ser195Leu)

Gene: PMS2 (PMS1 homolog 2, mismatch repair system component; minus strand). Cytogenetic location: 7p22.1.
Variant type: single nucleotide variant.
Coding change: c.584C>T on transcript NM_000535.7 (MANE Select); coding-DNA position 584, C replaced by T.
Protein change: p.Ser195Leu; replaces serine 195 with leucine.
Molecular consequence: missense variant. On other transcripts: non-coding transcript variant (1), intron variant (3).
Genome position (GRCh38, 1-based): chr7:5,999,229, G>A on the plus strand (C>T on the coding strand, the complement: PMS2 is on the minus strand). VCF-style: chr7-5999229-G-A. GRCh37 (hg19) VCF-style: chr7-6038860-G-A.
Other names: c.179C>T, p.Ser60Leu (NM_001322003.2, NM_001322004.2, NM_001322005.2 and 2 more transcripts); c.584C>T, p.Ser195Leu (NM_001322006.2, NM_001322014.2); c.266C>T, p.Ser89Leu (NM_001322007.2, NM_001322008.2); c.275C>T, p.Ser92Leu (NM_001322015.2); c.133-1806C>T (NM_001322013.2); c.-347-3C>T (NM_001322012.2, NM_001322011.2); short protein forms S195L, S60L, S89L, S92L.
Identifiers: ClinVar variation 1057179 (VCV001057179.9), dbSNP rs2128801488, ClinGen allele CA366744036.